The following is an entry in ClinVar:

NM_006009.4(TUBA1A):c.1182G>C (p.Lys394Asn)

Gene: TUBA1A (tubulin alpha 1a; minus strand). Cytogenetic location: 12q13.12.
Variant type: single nucleotide variant.
Coding change: c.1182G>C on transcript NM_006009.4 (MANE Select); coding-DNA position 1182, G replaced by C.
Protein change: p.Lys394Asn; replaces lysine 394 with asparagine.
Molecular consequence: missense variant.
Genome position (GRCh38, 1-based): chr12:49,185,184, C>G on the plus strand (G>C on the coding strand, the complement: TUBA1A is on the minus strand). VCF-style: chr12-49185184-C-G. GRCh37 (hg19) VCF-style: chr12-49578967-C-G.
Other names: c.1182G>C, p.Lys394Asn (NM_001270399.2); c.1077G>C, p.Lys359Asn (NM_001270400.2); short protein forms K359N, K394N.
Identifiers: ClinVar variation 864867 (VCV000864867.2), dbSNP rs1942164467, ClinGen allele CA384634955.

ClinVar aggregate classification (germline): Uncertain significance (1 of 4 stars; one submission).

Conditions:
Lissencephaly due to TUBA1A mutation (CDCBM16). Also called: CORTICAL DYSPLASIA, COMPLEX, WITH OTHER BRAIN MALFORMATIONS 16; Lissencephaly 3. Identifiers: Orphanet 171680, MedGen C4305153, MONDO:0012703, OMIM 611603.

Submission:

Bruce Lefroy Centre, Murdoch Childrens Research Institute
Classification: Uncertain significance for Lissencephaly due to TUBA1A mutation. Last evaluated: 2020-01-01. Review status: criteria provided, single submitter. Criteria: ACMG Guidelines, 2015. Collection method: research. Allele origin: unknown. Inheritance: Autosomal dominant inheritance. Affected: yes.
Comment: PM2, PP3, PP2, PP4